The following is an entry in ClinVar:

NM_015692.5(CPAMD8):c.4407+7G>A

Gene: CPAMD8 (C3 and PZP like alpha-2-macroglobulin domain containing 8; minus strand). Cytogenetic location: 19p13.11.
Variant type: single nucleotide variant.
Coding change: c.4407+7G>A on transcript NM_015692.5 (MANE Select); 7 bases into the intron after coding-DNA position 4407, G replaced by A.
Molecular consequence: intron variant.
Genome position (GRCh38, 1-based): chr19:16,903,695, C>T on the plus strand (G>A on the coding strand, the complement: CPAMD8 is on the minus strand). VCF-style: chr19-16903695-C-T. GRCh37 (hg19) VCF-style: chr19-17014505-C-T.
Identifiers: ClinVar variation 789244 (VCV000789244.33), dbSNP rs148551153, ClinGen allele CA9284625.

ClinVar aggregate classification (germline): Benign. Review status: criteria provided, multiple submitters, no conflicts (2 of 4 stars). 3 submissions from 3 submitters: Benign (3). Last evaluated 2026-01-06.

Allele frequency attached by ClinVar (database versions not stated): 1000 Genomes Project 0.00300; 1000 Genomes Project 30x 0.00312; TOPMed 0.00627; gnomAD 0.00641; gnomAD exomes 0.00982 and 0.00633; ExAC 0.00637; ESP Exome Variant Server 0.00639.
gnomAD v4.1: 15,248 of 1,614,136 alleles (0.94%); highest among the groups gnomAD compares: Non-Finnish European, 1.1%; 101 homozygotes.

Submissions (3):

Labcorp Genetics (formerly Invitae), Labcorp
Classification: Benign. Last evaluated: 2026-01-06. Review status: criteria provided, single submitter. Criteria: Invitae Variant Classification Sherloc (09022015). Collection method: clinical testing. Allele origin: germline.

CeGaT Center for Human Genetics Tuebingen
Classification: Benign. Last evaluated: 2023-08-01. Review status: criteria provided, single submitter. Criteria: CeGaT Center For Human Genetics Tuebingen Variant Classification Criteria Version 2. Collection method: clinical testing. Allele origin: germline. Affected: yes. Observed: 1 variant allele.
Comment: CPAMD8: BP4, BS1, BS2

Breakthrough Genomics
Classification: Benign. Review status: criteria provided, single submitter. Criteria: ACMG Guidelines, 2015. Collection method: not provided. Allele origin: germline. Inheritance: Autosomal recessive inheritance. Affected: yes.